The following is an entry in ClinVar:

ClinVar aggregate classification (germline): Uncertain significance (1 of 4 stars; one submission).

gnomAD v4.1: 1 of 1,550,574 alleles (0.000064%); highest among the groups gnomAD compares: Non-Finnish European, 0.000087%; no homozygotes.

Submission:

GeneDx
Classification: Uncertain significance. Last evaluated: 2024-07-03. Review status: criteria provided, single submitter. Criteria: GeneDx Variant Classification Process June 2021. Collection method: clinical testing. Allele origin: germline. Affected: yes.
Comment: Not observed at significant frequency in large population cohorts (gnomAD); In silico analysis supports that this missense variant has a deleterious effect on protein structure/function; Has not been previously published as pathogenic or benign to our knowledge

NM_001292063.2(OTOG):c.4039G>A (p.Ala1347Thr)

Gene: OTOG (otogelin; plus strand). Cytogenetic location: 11p15.1.
Variant type: single nucleotide variant.
Coding change: c.4039G>A on transcript NM_001292063.2 (MANE Select); coding-DNA position 4039, G replaced by A.
Protein change: p.Ala1347Thr; replaces alanine 1347 with threonine.
Molecular consequence: missense variant.
Genome position (GRCh38, 1-based): chr11:17,606,018, G>A. VCF-style: chr11-17606018-G-A. GRCh37 (hg19) VCF-style: chr11-17627565-G-A.
Other names: c.4075G>A, p.Ala1359Thr (NM_001277269.2); short protein forms A1359T, A1347T.
Identifiers: ClinVar variation 3393745 (VCV003393745.1).